The following is an entry in ClinVar:

NM_138694.4(PKHD1):c.3628+1G>A

Gene: PKHD1 (PKHD1 ciliary IPT domain containing fibrocystin/polyductin; minus strand). Cytogenetic location: 6p12.2.
Variant type: single nucleotide variant.
Coding change: c.3628+1G>A on transcript NM_138694.4 (MANE Select); the canonical splice donor site of the intron after coding-DNA position 3628, G replaced by A.
Molecular consequence: splice donor variant.
Genome position (GRCh38, 1-based): chr6:52,027,828, C>T on the plus strand (G>A on the coding strand, the complement: PKHD1 is on the minus strand). VCF-style: chr6-52027828-C-T. GRCh37 (hg19) VCF-style: chr6-51892626-C-T.
Other names: c.3628+1G>A (NM_170724.3).
Identifiers: ClinVar variation 3382259 (VCV003382259.2).

ClinVar aggregate classification (germline): Likely pathogenic (1 of 4 stars; one submission).

Conditions:
Polycystic kidney disease 4 (PKD4). Also called: POLYCYSTIC KIDNEY AND HEPATIC DISEASE 1; POLYCYSTIC KIDNEY DISEASE, INFANTILE, TYPE I; PKD3; Autosomal Recessive Polycystic Kidney Disease – PKHD1; POLYCYSTIC KIDNEY DISEASE 4 WITH OR WITHOUT POLYCYSTIC LIVER DISEASE. Identifiers: MedGen C4540575, MONDO:0033004, OMIM 263200.

Submission:

Juno Genomics, Hangzhou Juno Genomics, Inc
Classification: Likely pathogenic for Polycystic kidney disease 4. Review status: criteria provided, single submitter. Criteria: ACMG Guidelines, 2015. Collection method: clinical testing. Allele origin: germline. Affected: yes.
Comment: Absent from controls (or at extremely low frequency if recessive) in Genome Aggregation Database, Exome Sequencing Project, 1000 Genomes Project, or Exome Aggregation Consortium.;Null variant in a gene where loss of function (LOF) is a known mechanism of disease.